The following is an entry in ClinVar:

ClinVar aggregate classification (germline): Uncertain significance (1 of 4 stars; one submission).

Conditions:
Rhabdoid tumor predisposition syndrome 2 (RTPS2). Identifiers: Orphanet 231108, Orphanet 69077, MedGen C2750074, MONDO:0013224, OMIM 613325.

Submission:

Labcorp Genetics (formerly Invitae), Labcorp
Classification: Uncertain significance for Rhabdoid tumor predisposition syndrome 2. Last evaluated: 2022-10-24. Review status: criteria provided, single submitter. Criteria: Invitae Variant Classification Sherloc (09022015). Collection method: clinical testing. Allele origin: germline.
Comment: This sequence change replaces valine, which is neutral and non-polar, with aspartic acid, which is acidic and polar, at codon 1584 of the SMARCA4 protein (p.Val1584Asp). In summary, the available evidence is currently insufficient to determine the role of this variant in disease. Therefore, it has been classified as a Variant of Uncertain Significance. Algorithms developed to predict the effect of sequence changes on RNA splicing suggest that this variant may disrupt the consensus splice site. Advanced modeling of protein sequence and biophysical properties (such as structural, functional, and spatial information, amino acid conservation, physicochemical variation, residue mobility, and thermodynamic stability) has been performed at Invitae for this missense variant, however the output from this modeling did not meet the statistical confidence thresholds required to predict the impact of this variant on SMARCA4 protein function. ClinVar contains an entry for this variant (Variation ID: 1475320). This variant has not been reported in the literature in individuals affected with SMARCA4-related conditions. This variant is not present in population databases (gnomAD no frequency).

NM_003072.5(SMARCA4):c.4655T>A (p.Val1552Asp)

Gene: SMARCA4 (SWI/SNF related BAF chromatin remodeling complex subunit ATPase 4; plus strand). Cytogenetic location: 19p13.2.
Variant type: single nucleotide variant.
Coding change: c.4655T>A on transcript NM_003072.5 (MANE Select); coding-DNA position 4655, T replaced by A.
Protein change: p.Val1552Asp; replaces valine 1552 with aspartic acid.
Molecular consequence: missense variant. On other transcripts: non-coding transcript variant (1).
Genome position (GRCh38, 1-based): chr19:11,059,772, T>A. VCF-style: chr19-11059772-T-A. GRCh37 (hg19) VCF-style: chr19-11170448-T-A.
Other names: c.4655T>A, p.Val1552Asp (NM_001128844.3); c.4565T>A, p.Val1522Asp (NM_001128845.2); c.4562T>A, p.Val1521Asp (NM_001128846.2); c.4556T>A, p.Val1519Asp (NM_001128847.4, NM_001374457.1); c.4553T>A, p.Val1518Asp (NM_001128848.2); c.4751T>A, p.Val1584Asp (NM_001128849.3, NM_001387283.1); short protein forms V1519D, V1552D, V1521D, V1584D, V1518D, V1522D.
Identifiers: ClinVar variation 1475320 (VCV001475320.6), dbSNP rs2147113284, ClinGen allele CA404079228.